The following is an entry in ClinVar:

NM_000038.6(APC):c.794G>A (p.Gly265Glu)

Gene: APC (APC regulator of Wnt signaling pathway; plus strand). Cytogenetic location: 5q22.2.
Variant type: single nucleotide variant.
Coding change: c.794G>A on transcript NM_000038.6 (MANE Select); coding-DNA position 794, G replaced by A.
Protein change: p.Gly265Glu; replaces glycine 265 with glutamic acid.
Molecular consequence: missense variant. On other transcripts: 5 prime UTR variant (1).
Genome position (GRCh38, 1-based): chr5:112,801,343, G>A. VCF-style: chr5-112801343-G-A. GRCh37 (hg19) VCF-style: chr5-112137040-G-A.
Other names: c.794G>A, p.Gly265Glu (NM_001127510.3, NM_001354895.2, NM_001354896.2 and 1 more transcripts); c.740G>A, p.Gly247Glu (NM_001127511.3); c.824G>A, p.Gly275Glu (NM_001354897.2, NM_001354902.2); c.719G>A, p.Gly240Glu (NM_001354898.2, NM_001354904.2); c.710G>A, p.Gly237Glu (NM_001354899.2); c.617G>A, p.Gly206Glu (NM_001354900.2, NM_001354901.2, NM_001354905.2); c.-242G>A (NM_001354906.2); short protein forms G247E, G265E, G240E, G206E, G275E, G237E.
Identifiers: ClinVar variation 187097 (VCV000187097.33), dbSNP rs755437577, ClinGen allele CA014203.

ClinVar aggregate classification (germline): Uncertain significance. Review status: criteria provided, multiple submitters, no conflicts (2 of 4 stars). 5 submissions from 5 submitters: Uncertain significance (5). Last evaluated 2026-01-23.

Conditions:
Classic or attenuated familial adenomatous polyposis. Identifiers: MedGen CN372698, MONDO:0021057.
Hereditary cancer-predisposing syndrome. Also called: Tumor predisposition; Neoplastic Syndromes, Hereditary; Hereditary Cancer Syndrome; Hereditary neoplastic syndrome. Identifiers: Orphanet 140162, MedGen C0027672, MeSH D009386, MONDO:0015356.
Familial adenomatous polyposis 1 (FAP1). Also called: POLYPOSIS, ADENOMATOUS INTESTINAL; FAMILIAL ADENOMATOUS POLYPOSIS 1, ATTENUATED. Identifiers: MedGen C2713442, MONDO:0021056, OMIM 175100. Disease mechanism: loss of function.

Allele frequency attached by ClinVar (database versions not stated): ExAC 0.00001; gnomAD exomes 0.00001.
gnomAD v4.1: 3 of 1,612,734 alleles (0.00019%); highest among the groups gnomAD compares: East Asian, 0.0045%; no homozygotes.

Submissions (5):

Labcorp Genetics (formerly Invitae), Labcorp
Classification: Uncertain significance for Familial adenomatous polyposis 1. Last evaluated: 2026-01-23. Review status: criteria provided, single submitter. Criteria: Invitae Variant Classification Sherloc (09022015). Collection method: clinical testing. Allele origin: germline.
Comment: This sequence change replaces glycine, which is neutral and non-polar, with glutamic acid, which is acidic and polar, at codon 265 of the APC protein (p.Gly265Glu). This variant is present in population databases (rs755437577, gnomAD 0.006%). This variant has not been reported in the literature in individuals affected with APC-related conditions. ClinVar contains an entry for this variant (Variation ID: 187097). Invitae Evidence Modeling of protein sequence and biophysical properties (such as structural, functional, and spatial information, amino acid conservation, physicochemical variation, residue mobility, and thermodynamic stability) indicates that this missense variant is not expected to disrupt APC protein function with a negative predictive value of 95%. In summary, the available evidence is currently insufficient to determine the role of this variant in disease. Therefore, it has been classified as a Variant of Uncertain Significance.

Ambry Genetics
Classification: Uncertain significance for Hereditary cancer-predisposing syndrome. Last evaluated: 2025-11-21. Review status: criteria provided, single submitter. Criteria: Ambry Variant Classification Scheme 2023. Collection method: clinical testing. Allele origin: germline.
Comment: The p.G265E variant (also known as c.794G>A), located in coding exon 7 of the APC gene, results from a G to A substitution at nucleotide position 794. The glycine at codon 265 is replaced by glutamic acid, an amino acid with similar properties. This amino acid position is highly conserved in available vertebrate species. In addition, in silico predictors for this gene do not accurately predict pathogenicity. Missense alterations in APC are not a common cause of disease (Spier I et al. Genet Med. 2024 Feb;26(2):100992). Based on the available evidence, the clinical significance of this variant remains unclear.

CeGaT Center for Human Genetics Tuebingen
Classification: Uncertain significance. Last evaluated: 2024-12-01. Review status: criteria provided, single submitter. Criteria: CeGaT Center For Human Genetics Tuebingen Variant Classification Criteria Version 2. Collection method: clinical testing. Allele origin: germline. Affected: yes. Observed: 1 variant allele.

All of Us Research Program, National Institutes of Health
Classification: Uncertain significance for Classic or attenuated familial adenomatous polyposis. Last evaluated: 2024-07-20. Review status: criteria provided, single submitter. Criteria: ACMG Guidelines, 2015. Collection method: clinical testing. Allele origin: germline. Inheritance: Autosomal dominant inheritance. Observed: 2 variant alleles, 2 heterozygotes.
Comment: This missense variant replaces glycine with glutamic acid at codon 265 of the APC protein. Computational prediction is inconclusive regarding the impact of this variant on protein structure and function (internally defined REVEL score threshold 0.5 < inconclusive < 0.7, PMID: 27666373). To our knowledge, functional studies have not been reported for this variant. This variant has not been reported in individuals affected with APC-related disorders in the literature. This variant has been identified in 2/251152 chromosomes in the general population by the Genome Aggregation Database (gnomAD). The available evidence is insufficient to determine the role of this variant in disease conclusively. Therefore, this variant is classified as a Variant of Uncertain Significance.

This study involves interpretation of variants in research participants for the purpose of population health screening. Participant phenotype was not available at the time of variant classification. Additional details can be found in publication PMID: 35346344, PMCID: PMC8962531

Color Diagnostics, LLC DBA Color Health
Classification: Uncertain significance for Hereditary cancer-predisposing syndrome. Last evaluated: 2024-07-02. Review status: criteria provided, single submitter. Criteria: ACMG Guidelines, 2015. Collection method: clinical testing. Allele origin: germline.
Comment: This missense variant replaces glycine with glutamic acid at codon 265 of the APC protein. Computational prediction is inconclusive regarding the impact of this variant on protein structure and function (internally defined REVEL score threshold 0.5 < inconclusive < 0.7, PMID: 27666373). To our knowledge, functional studies have not been reported for this variant. This variant has not been reported in individuals affected with APC-related disorders in the literature. This variant has been identified in 2/251152 chromosomes in the general population by the Genome Aggregation Database (gnomAD). The available evidence is insufficient to determine the role of this variant in disease conclusively. Therefore, this variant is classified as a Variant of Uncertain Significance.